The following is an entry in ClinVar:

ClinVar aggregate classification (germline): Likely benign (1 of 4 stars; one submission).

gnomAD v4.1: 2 of 1,172,963 alleles (0.00017%); highest among the groups gnomAD compares: Admixed American, 0.0051%; no homozygotes.

Submission:

CeGaT Center for Human Genetics Tuebingen
Classification: Likely benign. Last evaluated: 2026-08-01. Review status: criteria provided, single submitter. Criteria: CeGaT Center For Human Genetics Tuebingen Variant Classification Criteria Version 2. Collection method: clinical testing. Allele origin: germline. Affected: yes. Observed: 1 variant allele.
Comment: USP27X: BP4, BP7

NM_001145073.3(USP27X):c.468T>C (p.His156=)

Gene: USP27X (ubiquitin specific peptidase 27 X-linked; plus strand). Cytogenetic location: Xp11.23.
Variant type: single nucleotide variant.
Coding change: c.468T>C on transcript NM_001145073.3 (MANE Select); coding-DNA position 468, T replaced by C.
Protein change: p.His156=; no amino-acid change (histidine 156 retained).
Molecular consequence: synonymous variant.
Genome position (GRCh38, 1-based): chrX:49,880,775, T>C. VCF-style: chrX-49880775-T-C. GRCh37 (hg19) VCF-style: chrX-49645378-T-C.
Identifiers: ClinVar variation 5040578 (VCV005040578.1).